The following is an entry in ClinVar:

NM_000237.3(LPL):c.790G>A (p.Val264Met)

Gene: LPL (lipoprotein lipase; plus strand). Cytogenetic location: 8p21.3.
Variant type: single nucleotide variant.
Coding change: c.790G>A on transcript NM_000237.3 (MANE Select); coding-DNA position 790, G replaced by A.
Protein change: p.Val264Met; replaces valine 264 with methionine.
Molecular consequence: missense variant.
Genome position (GRCh38, 1-based): chr8:19,955,855, G>A. VCF-style: chr8-19955855-G-A. GRCh37 (hg19) VCF-style: chr8-19813366-G-A.
Other names: short protein forms V264M.
Identifiers: ClinVar variation 3230722 (VCV003230722.1), dbSNP rs2069979646, ClinGen allele CA370468957.

ClinVar aggregate classification (germline): Uncertain significance (1 of 4 stars; one submission).

Conditions:
Cardiovascular phenotype. Identifiers: MedGen CN230736.

Submission:

Ambry Genetics
Classification: Uncertain significance for Cardiovascular phenotype. Last evaluated: 2023-11-21. Review status: criteria provided, single submitter. Criteria: Ambry Variant Classification Scheme 2023. Collection method: clinical testing. Allele origin: germline.
Comment: The p.V264M variant (also known as c.790G>A), located in coding exon 6 of the LPL gene, results from a G to A substitution at nucleotide position 790. The valine at codon 264 is replaced by methionine, an amino acid with highly similar properties. This amino acid position is conserved. In addition, this alteration is predicted to be deleterious by in silico analysis. Since supporting evidence is limited at this time, the clinical significance of this alteration remains unclear.